The following is an entry in ClinVar:

NM_001370298.3(FGD4):c.1402del (p.Gln468fs)

Gene: FGD4 (FYVE, RhoGEF and PH domain containing 4; plus strand). Cytogenetic location: 12p11.21.
Variant type: Deletion.
Coding change: c.1402del on transcript NM_001370298.3 (MANE Select); coding-DNA position 1402, one base deleted (C; older notation c.1402delC).
Protein change: p.Gln468fs; shifts the reading frame from glutamine 468.
Molecular consequence: frameshift variant. On other transcripts: 5 prime UTR variant (1).
Genome position (GRCh38, 1-based): chr12:32,602,315, C deleted. VCF-style (leftmost placement, unchanged base first): chr12-32602314-TC-T. GRCh37 (hg19) VCF-style: chr12-32755248-TC-T.
Other names: c.991delC (NM_139241.3); c.1246delC, p.Gln416Argfs (NM_001304481.2); c.247del, p.Gln83fs (NM_001304483.2); c.-61del (NM_001304484.2); c.712del, p.Gln238fs (NM_001330373.2, NM_001330374.2, NM_001384130.1); c.439del, p.Gln147fs (NM_001370297.1); c.1402del, p.Gln468fs (NM_001384126.1); c.991del, p.Gln331fs (NM_001384127.1, NM_001384128.1, NM_001385118.1 and 1 more transcripts); short protein forms Q416fs, Q331fs, Q238fs, Q83fs, Q147fs, Q468fs.
Identifiers: ClinVar variation 570318 (VCV000570318.12), dbSNP rs1393673267, ClinGen allele CA687437076.

ClinVar aggregate classification (germline): Pathogenic/Likely pathogenic. Review status: criteria provided, multiple submitters, no conflicts (2 of 4 stars). 2 submissions from 2 submitters: Pathogenic (1); Likely pathogenic (1). Last evaluated 2025-03-12.

Conditions:
Charcot-Marie-Tooth disease type 4. Also called: Charcot-Marie-Tooth disease, type IV; Charcot-Marie-Tooth, Type 4. Identifiers: Orphanet 64749, MedGen C4082197, MONDO:0018995.

Allele frequency attached by ClinVar (database versions not stated): gnomAD 0.00004; TOPMed 0.00008.

Submissions (2):

Labcorp Genetics (formerly Invitae), Labcorp
Classification: Pathogenic for Charcot-Marie-Tooth disease type 4. Last evaluated: 2025-03-12. Review status: criteria provided, single submitter. Criteria: Invitae Variant Classification Sherloc (09022015). Collection method: clinical testing. Allele origin: germline.
Comment: This sequence change creates a premature translational stop signal (p.Gln331Argfs*9) in the FGD4 gene. It is expected to result in an absent or disrupted protein product. Loss-of-function variants in FGD4 are known to be pathogenic (PMID: 17564972). This variant is not present in population databases (gnomAD no frequency). This premature translational stop signal has been observed in individual(s) with FGD4-related disease (internal data). ClinVar contains an entry for this variant (Variation ID: 570318). For these reasons, this variant has been classified as Pathogenic.

Mayo Clinic Laboratories, Mayo Clinic
Classification: Likely pathogenic. Last evaluated: 2020-02-12. Review status: criteria provided, single submitter. Criteria: ACMG Guidelines, 2015. Collection method: clinical testing. Allele origin: germline. Observed: 1 variant allele.
Comment: PVS1, PM2

Literature cited by the submitters: PubMed 17564972 (cited by Labcorp Genetics (formerly Invitae), Labcorp).